The following is an entry in ClinVar:

NM_000719.7(CACNA1C):c.4334C>T (p.Thr1445Ile)

Gene: CACNA1C (calcium voltage-gated channel subunit alpha1 C; plus strand). Cytogenetic location: 12p13.33.
Variant type: single nucleotide variant.
Coding change: c.4334C>T on transcript NM_000719.7 (MANE Select); coding-DNA position 4334, C replaced by T.
Protein change: p.Thr1445Ile; replaces threonine 1445 with isoleucine.
Molecular consequence: missense variant.
Genome position (GRCh38, 1-based): chr12:2,664,926, C>T. VCF-style: chr12-2664926-C-T. GRCh37 (hg19) VCF-style: chr12-2774092-C-T.
Other names: c.4478C>T, p.Thr1493Ile (NM_001129827.2, NM_199460.4); c.4400C>T, p.Thr1467Ile (NM_001129829.2); c.4334C>T, p.Thr1445Ile (NM_001129830.3, NM_001129833.2, NM_001129834.2 and 7 more transcripts); c.4418C>T, p.Thr1473Ile (NM_001129831.2); c.4394C>T, p.Thr1465Ile (NM_001129832.2); c.4385C>T, p.Thr1462Ile (NM_001129836.2); c.4301C>T, p.Thr1434Ile (NM_001129837.2, NM_001129838.2, NM_001129846.2 and 1 more transcripts); c.4295C>T, p.Thr1432Ile (NM_001129839.2); and 1 more; short protein forms T1445I, T1493I, T1442I, T1467I, T1465I, T1473I, T1432I, T1434I.
Identifiers: ClinVar variation 526958 (VCV000526958.9), dbSNP rs1555994788, ClinGen allele CA383375931.

ClinVar aggregate classification (germline): Uncertain significance (1 of 4 stars; one submission).

Conditions:
Long QT syndrome (LQTS). Identifiers: MedGen C0023976, MeSH D008133, MONDO:0002442. Disease mechanism: loss of function. Inheritance: Various modes of inheritance.

Submission:

Labcorp Genetics (formerly Invitae), Labcorp
Classification: Uncertain significance for Long QT syndrome. Last evaluated: 2025-10-06. Review status: criteria provided, single submitter. Criteria: Invitae Variant Classification Sherloc (09022015). Collection method: clinical testing. Allele origin: germline.
Comment: This sequence change replaces threonine, which is neutral and polar, with isoleucine, which is neutral and non-polar, at codon 1445 of the CACNA1C protein (p.Thr1445Ile). This variant is not present in population databases (gnomAD no frequency). This variant has not been reported in the literature in individuals affected with CACNA1C-related conditions. ClinVar contains an entry for this variant (Variation ID: 526958). Invitae Evidence Modeling of protein sequence and biophysical properties (such as structural, functional, and spatial information, amino acid conservation, physicochemical variation, residue mobility, and thermodynamic stability) indicates that this missense variant is not expected to disrupt CACNA1C protein function with a negative predictive value of 80%. In summary, the available evidence is currently insufficient to determine the role of this variant in disease. Therefore, it has been classified as a Variant of Uncertain Significance.